The following is an entry in ClinVar:

NM_006060.6(IKZF1):c.908A>G (p.Asn303Ser)

Gene: IKZF1 (IKAROS family zinc finger 1; plus strand). Cytogenetic location: 7p12.2.
Variant type: single nucleotide variant.
Coding change: c.908A>G on transcript NM_006060.6 (MANE Select); coding-DNA position 908, A replaced by G.
Protein change: p.Asn303Ser; replaces asparagine 303 with serine.
Molecular consequence: missense variant.
Genome position (GRCh38, 1-based): chr7:50,399,975, A>G. VCF-style: chr7-50399975-A-G. GRCh37 (hg19) VCF-style: chr7-50467673-A-G.
Other names: c.449A>G, p.Asn150Ser (NM_001291842.1); c.353A>G, p.Asn118Ser (NM_001291843.1); c.323A>G, p.Asn108Ser (NM_001291844.1); c.968A>G, p.Asn323Ser (NM_001410879.1); c.782A>G, p.Asn261Ser (NM_001220765.3, NM_001291837.2); c.617A>G, p.Asn206Ser (NM_001220767.2); c.647A>G, p.Asn216Ser (NM_001220768.2, NM_001291838.2); c.491A>G, p.Asn164Ser (NM_001220770.2); and 3 more; short protein forms N108S, N118S, N150S, N160S, N164S, N174S, N206S, N216S.
Identifiers: ClinVar variation 2629459 (VCV002629459.3), dbSNP rs1451333500, ClinGen allele CA367524011.

ClinVar aggregate classification (germline): Uncertain significance. Review status: criteria provided, multiple submitters, no conflicts (2 of 4 stars). 2 submissions from 2 submitters: Uncertain significance (2). Last evaluated 2025-03-19.

Conditions:
IKZF1-related disorder. Also called: IKZF1-related condition.

Allele frequency attached by ClinVar (database versions not stated): gnomAD exomes 0.00001.
gnomAD v4.1: 3 of 1,613,574 alleles (0.00019%); highest among the groups gnomAD compares: Admixed American, 0.005%; no homozygotes.

Submissions (2):

Labcorp Genetics (formerly Invitae), Labcorp
Classification: Uncertain significance. Last evaluated: 2025-03-19. Review status: criteria provided, single submitter. Criteria: Invitae Variant Classification Sherloc (09022015). Collection method: clinical testing. Allele origin: germline.
Comment: This sequence change replaces asparagine, which is neutral and polar, with serine, which is neutral and polar, at codon 303 of the IKZF1 protein (p.Asn303Ser). This variant is present in population databases (no rsID available, gnomAD 0.006%). This variant has not been reported in the literature in individuals affected with IKZF1-related conditions. ClinVar contains an entry for this variant (Variation ID: 2629459). An algorithm developed to predict the effect of missense changes on protein structure and function (PolyPhen-2) suggests that this variant is likely to be tolerated. In summary, the available evidence is currently insufficient to determine the role of this variant in disease. Therefore, it has been classified as a Variant of Uncertain Significance.

PreventionGenetics, part of Exact Sciences
Classification: Uncertain significance for IKZF1-related condition. Last evaluated: 2025-02-05. Review status: criteria provided, single submitter. Criteria: ACMG Guidelines, 2015. Collection method: clinical testing. Allele origin: germline.
Comment: The IKZF1 c.908A>G variant is predicted to result in the amino acid substitution p.Asn303Ser. To our knowledge, this variant has not been reported in the literature. This variant is reported in 0.0058% of alleles in individuals of Latino descent in gnomAD. At this time, the clinical significance of this variant is uncertain due to the absence of conclusive functional and genetic evidence.